The following is an entry in ClinVar:

ClinVar aggregate classification (germline): Benign. Review status: criteria provided, single submitter (1 of 4 stars). 2 submissions from 2 submitters: Benign (1). 1 of the submissions does not count toward it. Last evaluated 2019-12-31.

Conditions:
REV3L-related disorder. Also called: REV3L-related condition.

Allele frequency attached by ClinVar (database versions not stated): gnomAD exomes 0.00092 and 0.00250; ExAC 0.00334; gnomAD 0.00988 and 0.01058; 1000 Genomes Project 0.01058; TOPMed 0.01101; 1000 Genomes Project 30x 0.01124; ESP Exome Variant Server 0.01215.
gnomAD v4.1: 2,875 of 1,602,092 alleles (0.18%); highest among the groups gnomAD compares: African/African-American, 3.4%; 41 homozygotes.

Submissions (2):

Labcorp Genetics (formerly Invitae), Labcorp
Classification: Benign. Last evaluated: 2019-12-31. Review status: criteria provided, single submitter. Criteria: Invitae Variant Classification Sherloc (09022015). Collection method: clinical testing. Allele origin: germline.

PreventionGenetics, part of Exact Sciences
Classification: Benign for REV3L-related condition. Last evaluated: 2019-05-24. Review status: no assertion criteria provided. Collection method: clinical testing. Allele origin: germline. Not counted in ClinVar's aggregate classification.
Comment: This variant is classified as benign based on ACMG/AMP sequence variant interpretation guidelines (Richards et al. 2015 PMID: 25741868, with internal and published modifications).

NM_001372078.1(REV3L):c.8604+10A>C

Gene: REV3L (REV3 like, DNA directed polymerase zeta catalytic subunit; minus strand). Cytogenetic location: 6q21.
Variant type: single nucleotide variant.
Coding change: c.8604+10A>C on transcript NM_001372078.1 (MANE Select); 10 bases into the intron after coding-DNA position 8604, A replaced by C.
Molecular consequence: intron variant.
Genome position (GRCh38, 1-based): chr6:111,313,342, T>G on the plus strand (A>C on the coding strand, the complement: REV3L is on the minus strand). VCF-style: chr6-111313342-T-G. GRCh37 (hg19) VCF-style: chr6-111634545-T-G.
Other names: c.8604+10A>C (NM_002912.5); c.8370+10A>C (NM_001286432.2, NM_001286431.2).
Identifiers: ClinVar variation 780992 (VCV000780992.6), dbSNP rs17511455, ClinGen allele CA3961205.